The following is an entry in ClinVar:

ClinVar aggregate classification (germline): Conflicting classifications of pathogenicity. Review status: criteria provided, conflicting classifications (1 of 4 stars). 5 submissions from 5 submitters: Uncertain significance (1); Likely benign (4). Last evaluated 2026-05-01.

Conditions:
Familial sleep-related hypermotor epilepsy. Also called: Autosomal Dominant Sleep-Related Hypermotor (Hyperkinetic) Epilepsy. Identifiers: Orphanet 98784, MedGen C3696898, MONDO:0000030.
Inborn genetic diseases. Identifiers: MedGen C0950123, MeSH D030342.

Allele frequency attached by ClinVar (database versions not stated): gnomAD 0.00006 and 0.00007; TOPMed 0.00010; ExAC 0.00017; gnomAD exomes 0.00022.
gnomAD v4.1: 73 of 1,567,018 alleles (0.0047%); highest among the groups gnomAD compares: Admixed American, 0.11%; no homozygotes.

Submissions (5):

CeGaT Center for Human Genetics Tuebingen
Classification: Likely benign. Last evaluated: 2026-05-01. Review status: criteria provided, single submitter. Criteria: CeGaT Center For Human Genetics Tuebingen Variant Classification Criteria Version 2. Collection method: clinical testing. Allele origin: germline. Affected: yes. Observed: 2 variant alleles.
Comment: CHRNA4: BS1

Labcorp Genetics (formerly Invitae), Labcorp
Classification: Likely benign. Last evaluated: 2026-01-12. Review status: criteria provided, single submitter. Criteria: Invitae Variant Classification Sherloc (09022015). Collection method: clinical testing. Allele origin: germline.

Ambry Genetics
Classification: Likely benign for Inborn genetic diseases. Last evaluated: 2025-03-17. Review status: criteria provided, single submitter. Criteria: Ambry Variant Classification Scheme 2023. Collection method: clinical testing. Allele origin: germline.

GeneDx
Classification: Likely benign. Last evaluated: 2020-03-16. Review status: criteria provided, single submitter. Criteria: GeneDx Variant Classification Process June 2021. Collection method: clinical testing. Allele origin: germline. Affected: yes.

Eurofins Ntd Llc (ga)
Classification: Uncertain significance. Last evaluated: 2015-01-27. Review status: criteria provided, single submitter. Criteria: EGL Classification Definitions 2015. Collection method: clinical testing. Allele origin: germline. Observed: 1 variant allele, 1 heterozygote.

NM_000744.7(CHRNA4):c.1454G>A (p.Arg485Gln)

Gene: CHRNA4 (cholinergic receptor nicotinic alpha 4 subunit; minus strand). Cytogenetic location: 20q13.33.
Variant type: single nucleotide variant.
Coding change: c.1454G>A on transcript NM_000744.7 (MANE Select); coding-DNA position 1454, G replaced by A.
Protein change: p.Arg485Gln; replaces arginine 485 with glutamine.
Molecular consequence: missense variant. On other transcripts: non-coding transcript variant (1).
Genome position (GRCh38, 1-based): chr20:63,349,957, C>T on the plus strand (G>A on the coding strand, the complement: CHRNA4 is on the minus strand). VCF-style: chr20-63349957-C-T. GRCh37 (hg19) VCF-style: chr20-61981309-C-T.
Other names: p.R485Q:CGG>CAG; c.926G>A, p.Arg309Gln (NM_001256573.2); short protein forms R485Q, R309Q.
Identifiers: ClinVar variation 197690 (VCV000197690.65), dbSNP rs755416498, ClinGen allele CA245965.
Genomic context (GRCh38, chr20:63,349,957, plus strand): 5'-TGGCCATCTGCCTCGGGGGCGGCATCGTCTCGGGGAACACAGTACTGGATGCTCCGAGAC[C>T]GGCACCGGACGCCGCCTTCCACCGCTTCGCCAGGGCTGGACATGTGCTGGACGCTGAGGG-3'
Protein context (NP_000735.1, residues 475-495): GEAVEGGVRC[Arg485Gln]SRSIQYCVPR